The following is an entry in ClinVar:

NM_001105206.3(LAMA4):c.5075A>G (p.Asn1692Ser)

Gene: LAMA4 (laminin subunit alpha 4; minus strand). Cytogenetic location: 6q21.
Variant type: single nucleotide variant.
Coding change: c.5075A>G on transcript NM_001105206.3 (MANE Select); coding-DNA position 5075, A replaced by G.
Protein change: p.Asn1692Ser; replaces asparagine 1692 with serine.
Molecular consequence: missense variant.
Genome position (GRCh38, 1-based): chr6:112,115,900, T>C on the plus strand (A>G on the coding strand, the complement: LAMA4 is on the minus strand). VCF-style: chr6-112115900-T-C. GRCh37 (hg19) VCF-style: chr6-112437103-T-C.
Other names: c.5054A>G, p.Asn1685Ser (NM_001105207.3, NM_002290.5); short protein forms N1685S, N1692S.
Identifiers: ClinVar variation 2042513 (VCV002042513.4), dbSNP rs1414574619, ClinGen allele CA365365191.

ClinVar aggregate classification (germline): Uncertain significance (1 of 4 stars; one submission).

Conditions:
Dilated cardiomyopathy 1JJ (CMD1JJ). Identifiers: Orphanet 154, MedGen C3808935, MONDO:0014095, OMIM 615235.

Allele frequency attached by ClinVar (database versions not stated): TOPMed 0.00001.
gnomAD v4.1: 7 of 1,613,554 alleles (0.00043%); highest among the groups gnomAD compares: South Asian, 0.0011%; no homozygotes.

Submission:

Labcorp Genetics (formerly Invitae), Labcorp
Classification: Uncertain significance for Dilated cardiomyopathy 1JJ. Last evaluated: 2022-02-06. Review status: criteria provided, single submitter. Criteria: Invitae Variant Classification Sherloc (09022015). Collection method: clinical testing. Allele origin: germline.
Comment: This variant has not been reported in the literature in individuals affected with LAMA4-related conditions. This variant is present in population databases (no rsID available, gnomAD 0.003%). This sequence change replaces asparagine, which is neutral and polar, with serine, which is neutral and polar, at codon 1685 of the LAMA4 protein (p.Asn1685Ser). Algorithms developed to predict the effect of missense changes on protein structure and function output the following: SIFT: "Deleterious"; PolyPhen-2: "Benign"; Align-GVGD: "Class C0". The serine amino acid residue is found in multiple mammalian species, which suggests that this missense change does not adversely affect protein function. In summary, the available evidence is currently insufficient to determine the role of this variant in disease. Therefore, it has been classified as a Variant of Uncertain Significance.